The following is an entry in ClinVar:

ClinVar aggregate classification (germline): Uncertain significance (1 of 4 stars; one submission).

Conditions:
Hereditary cancer-predisposing syndrome. Also called: Hereditary Cancer Syndrome; Hereditary neoplastic syndrome; Neoplastic Syndromes, Hereditary; Tumor predisposition. Identifiers: Orphanet 140162, MedGen C0027672, MeSH D009386, MONDO:0015356.

Submission:

Ambry Genetics
Classification: Uncertain significance for Hereditary cancer-predisposing syndrome. Last evaluated: 2022-10-04. Review status: criteria provided, single submitter. Criteria: Ambry Variant Classification Scheme 2023. Collection method: clinical testing. Allele origin: germline.
Comment: The p.A448V variant (also known as c.1343C>T), located in coding exon 13 of the FANCC gene, results from a C to T substitution at nucleotide position 1343. The alanine at codon 448 is replaced by valine, an amino acid with similar properties. This amino acid position is conserved. In addition, this alteration is predicted to be tolerated by in silico analysis. Since supporting evidence is limited at this time, the clinical significance of this alteration remains unclear.

NM_000136.3(FANCC):c.1343C>T (p.Ala448Val)

Genes: AOPEP (aminopeptidase O (putative); plus strand), FANCC (FA complementation group C; minus strand). Cytogenetic location: 9q22.32.
Variant type: single nucleotide variant.
Coding change: c.1343C>T on transcript NM_000136.3 (MANE Select); coding-DNA position 1343, C replaced by T.
Protein change: p.Ala448Val; replaces alanine 448 with valine.
Molecular consequence: missense variant.
Genome position (GRCh38, 1-based): chr9:95,107,256, G>A on the plus strand (C>T on the coding strand, the complement: FANCC is on the minus strand). VCF-style: chr9-95107256-G-A. GRCh37 (hg19) VCF-style: chr9-97869538-G-A.
Other names: c.1343C>T, p.Ala448Val (NM_001243743.2); short protein forms A448V.
Identifiers: ClinVar variation 1770409 (VCV001770409.2), dbSNP rs2134456702, ClinGen allele CA374106265.